The following is an entry in ClinVar:

ClinVar aggregate classification (germline): Uncertain significance (1 of 4 stars; one submission).

Conditions:
Van der Woude syndrome. Identifiers: Orphanet 888, MedGen C0175697, MONDO:0019508.
Popliteal pterygium syndrome (PPS). Identifiers: Orphanet 294963, MedGen C0265259, MONDO:0017435.
Orofacial cleft 6, susceptibility to (OFC6). Also called: CLEFT LIP WITH OR WITHOUT CLEFT PALATE, NONSYNDROMIC, 6. Identifiers: MedGen C1837213, MONDO:0012141, OMIM 608864.

Submission:

Labcorp Genetics (formerly Invitae), Labcorp
Classification: Uncertain significance for Orofacial cleft 6, susceptibility to; Van der Woude syndrome; Popliteal pterygium syndrome. Last evaluated: 2024-08-14. Review status: criteria provided, single submitter. Criteria: Invitae Variant Classification Sherloc (09022015). Collection method: clinical testing. Allele origin: germline.
Comment: This sequence change replaces tryptophan, which is neutral and slightly polar, with cysteine, which is neutral and slightly polar, at codon 217 of the IRF6 protein (p.Trp217Cys). This variant is not present in population databases (gnomAD no frequency). This variant has not been reported in the literature in individuals affected with IRF6-related conditions. Invitae Evidence Modeling of protein sequence and biophysical properties (such as structural, functional, and spatial information, amino acid conservation, physicochemical variation, residue mobility, and thermodynamic stability) indicates that this missense variant is not expected to disrupt IRF6 protein function with a negative predictive value of 80%. In summary, the available evidence is currently insufficient to determine the role of this variant in disease. Therefore, it has been classified as a Variant of Uncertain Significance.

NM_006147.4(IRF6):c.651G>C (p.Trp217Cys)

Gene: IRF6 (interferon regulatory factor 6; minus strand). Cytogenetic location: 1q32.2.
Variant type: single nucleotide variant.
Coding change: c.651G>C on transcript NM_006147.4 (MANE Select); coding-DNA position 651, G replaced by C.
Protein change: p.Trp217Cys; replaces tryptophan 217 with cysteine.
Molecular consequence: missense variant.
Genome position (GRCh38, 1-based): chr1:209,792,285, C>G on the plus strand (G>C on the coding strand, the complement: IRF6 is on the minus strand). VCF-style: chr1-209792285-C-G. GRCh37 (hg19) VCF-style: chr1-209965630-C-G.
Other names: c.366G>C, p.Trp122Cys (NM_001206696.2); short protein forms W122C, W217C.
Identifiers: ClinVar variation 3757675 (VCV003757675.2).